The following is an entry in ClinVar:

ClinVar aggregate classification (germline): Conflicting classifications of pathogenicity. Review status: criteria provided, conflicting classifications (1 of 4 stars). 5 submissions from 5 submitters: Uncertain significance (1); Likely benign (3). 1 of the submissions does not count toward it. Last evaluated 2025-11-01.

Conditions:
PIK3R5-related disorder. Also called: PIK3R5-related condition.

Allele frequency attached by ClinVar (database versions not stated): 1000 Genomes Project 0.00040; 1000 Genomes Project 30x 0.00062; ExAC 0.00175; gnomAD exomes 0.00179 and 0.00344; gnomAD 0.00195 and 0.00199; ESP Exome Variant Server 0.00200; TOPMed 0.00206.

Submissions (5):

CeGaT Center for Human Genetics Tuebingen
Classification: Likely benign. Last evaluated: 2025-11-01. Review status: criteria provided, single submitter. Criteria: CeGaT Center For Human Genetics Tuebingen Variant Classification Criteria Version 2. Collection method: clinical testing. Allele origin: germline. Affected: yes. Observed: 5 variant alleles.
Comment: PIK3R5: BP4, BS2

Blueprint Genetics
Classification: Likely benign. Last evaluated: 2024-11-27. Review status: criteria provided, single submitter. Criteria: ACMG Guidelines, 2015. Collection method: clinical testing. Allele origin: germline.

Ambry Genetics
Classification: Uncertain significance. Last evaluated: 2021-08-09. Review status: criteria provided, single submitter. Criteria: Ambry Variant Classification Scheme 2023. Collection method: clinical testing. Allele origin: germline.

Labcorp Genetics (formerly Invitae), Labcorp
Classification: Likely benign. Last evaluated: 2018-04-12. Review status: criteria provided, single submitter. Criteria: Invitae Variant Classification Sherloc (09022015). Collection method: clinical testing. Allele origin: germline.

PreventionGenetics, part of Exact Sciences
Classification: Likely benign for PIK3R5-related condition. Last evaluated: 2020-08-07. Review status: no assertion criteria provided. Collection method: clinical testing. Allele origin: germline. Not counted in ClinVar's aggregate classification.
Comment: This variant is classified as likely benign based on ACMG/AMP sequence variant interpretation guidelines (Richards et al. 2015 PMID: 25741868, with internal and published modifications).

NM_001142633.3(PIK3R5):c.1076T>C (p.Leu359Ser)

Gene: PIK3R5 (phosphoinositide-3-kinase regulatory subunit 5; minus strand). Cytogenetic location: 17p13.1.
Variant type: single nucleotide variant.
Coding change: c.1076T>C on transcript NM_001142633.3 (MANE Select); coding-DNA position 1076, T replaced by C.
Protein change: p.Leu359Ser; replaces leucine 359 with serine.
Molecular consequence: missense variant. On other transcripts: 5 prime UTR variant (8).
Genome position (GRCh38, 1-based): chr17:8,888,711, A>G on the plus strand (T>C on the coding strand, the complement: PIK3R5 is on the minus strand). VCF-style: chr17-8888711-A-G. GRCh37 (hg19) VCF-style: chr17-8792028-A-G.
Other names: c.1076T>C (NM_001142633.1); c.-83T>C (NM_001251851.2, NM_001251852.2, NM_001251853.2 and 5 more transcripts); c.1076T>C, p.Leu359Ser (NM_001388396.1, NM_014308.4); short protein forms L359S.
Identifiers: ClinVar variation 779454 (VCV000779454.48), dbSNP rs141086831, ClinGen allele CA8380614.